The following is an entry in ClinVar:

NM_001844.5(COL2A1):c.870+5_870+7delinsCCTTTGTGAGAAGGTTACTTC

Gene: COL2A1 (collagen type II alpha 1 chain; minus strand). Cytogenetic location: 12q13.11.
Variant type: Indel.
Coding change: c.870+5_870+7delinsCCTTTGTGAGAAGGTTACTTC on transcript NM_001844.5 (MANE Select); bases 5 to 7 of the intron after coding-DNA position 870, GTA replaced by CCTTTGTGAGAAGGTTACTTC.
Molecular consequence: intron variant.
Genome position (GRCh38, 1-based): chr12:47,993,987-47,993,989, TAC replaced by GAAGTAACCTTCTCACAAAGG on the plus strand (GTA replaced by CCTTTGTGAGAAGGTTACTTC on the coding strand, the reverse complement: COL2A1 is on the minus strand). VCF-style: chr12-47993987-TAC-GAAGTAACCTTCTCACAAAGG. GRCh37 (hg19) VCF-style: chr12-48387770-TAC-GAAGTAACCTTCTCACAAAGG.
Other names: NM_001844.5:c.870+5_870+7delinsCCTTTGTGAGAAGGTTACTTC; c.663+5_663+7delinsCCTTTGTGAGAAGGTTACTTC (NM_033150.3).
Identifiers: ClinVar variation 2446374 (VCV002446374.4), dbSNP rs2540169004, ClinGen allele CA2580085651.

ClinVar aggregate classification (germline): Likely pathogenic (1 of 4 stars; one submission).

Conditions:
Stickler syndrome type 1 (STL1). Also called: STICKLER SYNDROME, MEMBRANOUS VITREOUS TYPE; STICKLER SYNDROME, VITREOUS TYPE 1; ARTHROOPHTHALMOPATHY, HEREDITARY PROGRESSIVE; COL2A1-Related Stickler Syndrome. Identifiers: Orphanet 828, Orphanet 90653, MedGen C2020284, MONDO:0007160, OMIM 108300.

Submission:

Laboratory of Functional Genomics, Research Centre for Medical Genetics
Classification: Likely pathogenic for Stickler syndrome type 1. Review status: criteria provided, single submitter. Criteria: ACMG Guidelines, 2015. Collection method: clinical testing, in vitro. Allele origin: germline, unknown, not applicable. Inheritance: Autosomal dominant inheritance. Affected: yes. Observed: 2 heterozygotes. Functional consequence: effect on RNA splicing.
Comment: This variant is absent in control databases. Additionally, minigene assay revealed exon 13 skipping. Summary, obtained data allow to interpretate this variant as likely pathogenic (ACMG PM2, PP3, PS3, PP4).